The following is an entry in ClinVar:

ClinVar aggregate classification (germline): Uncertain significance. Review status: criteria provided, multiple submitters, no conflicts (2 of 4 stars). 4 submissions from 4 submitters: Uncertain significance (4). Last evaluated 2022-10-24.

Conditions:
Combined oxidative phosphorylation defect type 4. Identifiers: Orphanet 254925, MedGen C1857682, MONDO:0012534, OMIM 610678.
Inborn genetic diseases. Identifiers: MedGen C0950123, MeSH D030342.

Allele frequency attached by ClinVar (database versions not stated): ExAC 0.00002; gnomAD 0.00003 and 0.00004; gnomAD exomes 0.00005; TOPMed 0.00007.
gnomAD v4.1: 130 of 1,614,074 alleles (0.0081%); highest among the groups gnomAD compares: Non-Finnish European, 0.01%; no homozygotes.

Submissions (4):

Labcorp Genetics (formerly Invitae), Labcorp
Classification: Uncertain significance. Last evaluated: 2022-10-24. Review status: criteria provided, single submitter. Criteria: Invitae Variant Classification Sherloc (09022015). Collection method: clinical testing. Allele origin: germline.
Comment: In summary, the available evidence is currently insufficient to determine the role of this variant in disease. Therefore, it has been classified as a Variant of Uncertain Significance. Algorithms developed to predict the effect of missense changes on protein structure and function (SIFT, PolyPhen-2, Align-GVGD) all suggest that this variant is likely to be tolerated. ClinVar contains an entry for this variant (Variation ID: 215314). This variant has not been reported in the literature in individuals affected with TUFM-related conditions. This variant is present in population databases (rs199674838, gnomAD 0.02%). This sequence change replaces lysine, which is basic and polar, with glutamic acid, which is acidic and polar, at codon 450 of the TUFM protein (p.Lys450Glu).

Ambry Genetics
Classification: Uncertain significance for Inborn genetic diseases. Last evaluated: 2022-06-27. Review status: criteria provided, single submitter. Criteria: Ambry Variant Classification Scheme 2023. Collection method: clinical testing. Allele origin: germline.

Baylor Genetics
Classification: Uncertain significance for Combined oxidative phosphorylation defect type 4. Last evaluated: 2018-04-11. Review status: criteria provided, single submitter. Criteria: ACMG Guidelines, 2015. Collection method: clinical testing. Allele origin: paternal. Affected: yes.
Comment: This variant was determined to be of uncertain significance according to ACMG Guidelines, 2015 [PMID:25741868].

GeneDx
Classification: Uncertain significance. Last evaluated: 2015-02-10. Review status: criteria provided, single submitter. Criteria: GeneDx Variant Classification (06012015). Collection method: clinical testing. Allele origin: germline. Affected: yes.
Comment: p.Lys450Glu (AAG>GAG): c.1348 A>G in exon 10 of the TUFM gene (NM_003321.4) A variant of unknown significance has been identified in the TUFM gene. The K450E missense substitution has not been published as a mutation, nor has it been reported as a benign polymorphism to our knowledge. Mutations in the TUFM gene are associated with the autosomal recessive disorder combined oxidative phosphorylation deficiency 4. The amino acid substitution is non-conservative in that a positively charged Lysine residue is replaced by a negatively charged Glutamic Acid residue. This change occurs at a position in the TUFM gene that is highly conserved in mammals. Multiple in-silico analysis models predict that K450E is a benign sequence change. Therefore, based on the currently available information, it is unclear whether K450E is a disease-causing mutation or a rare benign variant. The variant is found in MITONUC-MITOP panel(s).

NM_003321.5(TUFM):c.1348A>G (p.Lys450Glu)

Gene: TUFM (Tu translation elongation factor, mitochondrial; minus strand). Cytogenetic location: 16p11.2.
Variant type: single nucleotide variant.
Coding change: c.1348A>G on transcript NM_003321.5 (MANE Select); coding-DNA position 1348, A replaced by G.
Protein change: p.Lys450Glu; replaces lysine 450 with glutamic acid.
Molecular consequence: missense variant.
Genome position (GRCh38, 1-based): chr16:28,842,995, T>C on the plus strand (A>G on the coding strand, the complement: TUFM is on the minus strand). VCF-style: chr16-28842995-T-C. GRCh37 (hg19) VCF-style: chr16-28854316-T-C.
Other names: c.1264A>G, p.Lys422Glu (NM_001365360.2); short protein forms K450E, K422E.
Identifiers: ClinVar variation 215314 (VCV000215314.6), dbSNP rs199674838, ClinGen allele CA321209.